The following is an entry in ClinVar:

ClinVar aggregate classification (germline): Uncertain significance (1 of 4 stars; one submission).

Conditions:
Neuroblastoma, susceptibility to, 3. Also called: ALK-Related Neuroblastic Tumor Susceptibility. Identifiers: Orphanet 635, MedGen C2751681, MONDO:0013083, OMIM 613014.

Allele frequency attached by ClinVar (database versions not stated): gnomAD exomes below 0.00001.
gnomAD v4.1: 1 of 1,614,268 alleles (0.000062%); highest among the groups gnomAD compares: Non-Finnish European, 0.000085%; no homozygotes.

Submission:

Labcorp Genetics (formerly Invitae), Labcorp
Classification: Uncertain significance for Neuroblastoma, susceptibility to, 3. Last evaluated: 2023-11-06. Review status: criteria provided, single submitter. Criteria: Invitae Variant Classification Sherloc (09022015). Collection method: clinical testing. Allele origin: germline.
Comment: This sequence change replaces asparagine, which is neutral and polar, with aspartic acid, which is acidic and polar, at codon 1484 of the ALK protein (p.Asn1484Asp). This variant is not present in population databases (gnomAD no frequency). This variant has not been reported in the literature in individuals affected with ALK-related conditions. An algorithm developed to predict the effect of missense changes on protein structure and function (PolyPhen-2) suggests that this variant is likely to be tolerated. In summary, the available evidence is currently insufficient to determine the role of this variant in disease. Therefore, it has been classified as a Variant of Uncertain Significance.

NM_004304.5(ALK):c.4450A>G (p.Asn1484Asp)

Gene: ALK (ALK receptor tyrosine kinase; minus strand). Cytogenetic location: 2p23.2.
Variant type: single nucleotide variant.
Coding change: c.4450A>G on transcript NM_004304.5 (MANE Select); coding-DNA position 4450, A replaced by G.
Protein change: p.Asn1484Asp; replaces asparagine 1484 with aspartic acid.
Molecular consequence: missense variant.
Genome position (GRCh38, 1-based): chr2:29,193,637, T>C on the plus strand (A>G on the coding strand, the complement: ALK is on the minus strand). VCF-style: chr2-29193637-T-C. GRCh37 (hg19) VCF-style: chr2-29416503-T-C.
Other names: c.1246A>G, p.Asn416Asp (NM_001353765.2); short protein forms N1484D, N416D.
Identifiers: ClinVar variation 2692717 (VCV002692717.3), dbSNP rs2148138287, ClinGen allele CA346462051.